The following is an entry in ClinVar:

ClinVar aggregate classification (germline): Pathogenic (1 of 4 stars; one submission).

Submission:

Labcorp Genetics (formerly Invitae), Labcorp
Classification: Pathogenic. Last evaluated: 2022-12-30. Review status: criteria provided, single submitter. Criteria: Invitae Variant Classification Sherloc (09022015). Collection method: clinical testing. Allele origin: germline.
Comment: For these reasons, this variant has been classified as Pathogenic. This variant has not been reported in the literature in individuals affected with AGBL5-related conditions. This variant is not present in population databases (gnomAD no frequency). This sequence change creates a premature translational stop signal (p.Asn625Lysfs*19) in the AGBL5 gene. It is expected to result in an absent or disrupted protein product. Loss-of-function variants in AGBL5 are known to be pathogenic (PMID: 27764769, 27842159).

Literature cited by the submitters: PubMed 27764769; PubMed 27842159.

NM_021831.6(AGBL5):c.1874dup (p.Asn625fs)

Gene: AGBL5 (AGBL carboxypeptidase 5; plus strand). Cytogenetic location: 2p23.3.
Variant type: Duplication.
Coding change: c.1874dup on transcript NM_021831.6 (MANE Select); coding-DNA position 1874, one base duplicated (A; older notation c.1874dupA).
Protein change: p.Asn625fs; shifts the reading frame from asparagine 625.
Molecular consequence: frameshift variant. On other transcripts: non-coding transcript variant (2).
Genome position (GRCh38, 1-based): chr2:27,058,602, A duplicated; the last of 2 consecutive A bases (chr2:27,058,601-27,058,602); duplicating either gives the same sequence. VCF-style (leftmost placement, unchanged base first): chr2-27058600-C-CA. GRCh37 (hg19) VCF-style: chr2-27281468-C-CA.
Other names: c.1874dup, p.Asn625Lysfs (NM_001035506.1); c.1874dup, p.Asn625fs (NM_001035507.3); short protein forms N625fs.
Identifiers: ClinVar variation 2824954 (VCV002824954.3), dbSNP rs2465492591, ClinGen allele CA2739274227.